The following is an entry in ClinVar:

ClinVar aggregate classification (germline): Uncertain significance. Review status: criteria provided, multiple submitters, no conflicts (2 of 4 stars). 2 submissions from 2 submitters: Uncertain significance (2). Last evaluated 2023-03-28.

Conditions:
Inborn genetic diseases. Identifiers: MedGen C0950123, MeSH D030342.
Autosomal dominant childhood-onset proximal spinal muscular atrophy with contractures (SMALED2A). Also called: SPINAL MUSCULAR ATROPHY, LOWER EXTREMITY-PREDOMINANT, 2A, CHILDHOOD ONSET, AUTOSOMAL DOMINANT; Spinal muscular atrophy, lower extremity-predominant, 2A, autosomal dominant. Identifiers: Orphanet 363447, Orphanet 363454, MedGen C4747715, MONDO:0014121, OMIM 615290.

Allele frequency attached by ClinVar (database versions not stated): gnomAD exomes below 0.00001.
gnomAD v4.1: 2 of 1,612,152 alleles (0.00012%); highest among the groups gnomAD compares: Non-Finnish European, 0.000085%; no homozygotes.

Submissions (2):

Labcorp Genetics (formerly Invitae), Labcorp
Classification: Uncertain significance for Autosomal dominant childhood-onset proximal spinal muscular atrophy with contractures. Last evaluated: 2023-03-28. Review status: criteria provided, single submitter. Criteria: Invitae Variant Classification Sherloc (09022015). Collection method: clinical testing. Allele origin: germline.
Comment: ClinVar contains an entry for this variant (Variation ID: 951200). This variant has not been reported in the literature in individuals affected with BICD2-related conditions. This variant is not present in population databases (gnomAD no frequency). This sequence change replaces glycine, which is neutral and non-polar, with serine, which is neutral and polar, at codon 472 of the BICD2 protein (p.Gly472Ser). Advanced modeling of protein sequence and biophysical properties (such as structural, functional, and spatial information, amino acid conservation, physicochemical variation, residue mobility, and thermodynamic stability) performed at Invitae indicates that this missense variant is not expected to disrupt BICD2 protein function. In summary, the available evidence is currently insufficient to determine the role of this variant in disease. Therefore, it has been classified as a Variant of Uncertain Significance.

Ambry Genetics
Classification: Uncertain significance for Inborn genetic diseases. Last evaluated: 2021-02-04. Review status: criteria provided, single submitter. Criteria: Ambry Variant Classification Scheme 2023. Collection method: clinical testing. Allele origin: germline.
Comment: The p.G472S variant (also known as c.1414G>A), located in coding exon 5 of the BICD2 gene, results from a G to A substitution at nucleotide position 1414. The glycine at codon 472 is replaced by serine, an amino acid with similar properties. This amino acid position is not well conserved in available vertebrate species. In addition, this alteration is predicted to be tolerated by in silico analysis. Since supporting evidence is limited at this time, the clinical significance of this alteration remains unclear.

NM_001003800.2(BICD2):c.1414G>A (p.Gly472Ser)

Gene: BICD2 (BICD cargo adaptor 2; minus strand). Cytogenetic location: 9q22.31.
Variant type: single nucleotide variant.
Coding change: c.1414G>A on transcript NM_001003800.2 (MANE Select); coding-DNA position 1414, G replaced by A.
Protein change: p.Gly472Ser; replaces glycine 472 with serine.
Molecular consequence: missense variant.
Genome position (GRCh38, 1-based): chr9:92,719,231, C>T on the plus strand (G>A on the coding strand, the complement: BICD2 is on the minus strand). VCF-style: chr9-92719231-C-T. GRCh37 (hg19) VCF-style: chr9-95481513-C-T.
Other names: c.1414G>A, p.Gly472Ser (NM_015250.4); short protein forms G472S.
Identifiers: ClinVar variation 951200 (VCV000951200.12), dbSNP rs1853403012, ClinGen allele CA374038269.